The following is an entry in ClinVar:

ClinVar aggregate classification (germline): Uncertain significance (1 of 4 stars; one submission).

gnomAD v4.1: 1 of 1,614,150 alleles (0.000062%); highest among the groups gnomAD compares: Non-Finnish European, 0.000085%; no homozygotes.

Submission:

Labcorp Genetics (formerly Invitae), Labcorp
Classification: Uncertain significance. Last evaluated: 2021-04-30. Review status: criteria provided, single submitter. Criteria: Invitae Variant Classification Sherloc (09022015). Collection method: clinical testing. Allele origin: germline.
Comment: In summary, the available evidence is currently insufficient to determine the role of this variant in disease. Therefore, it has been classified as a Variant of Uncertain Significance. Algorithms developed to predict the effect of missense changes on protein structure and function (SIFT, PolyPhen-2, Align-GVGD) all suggest that this variant is likely to be tolerated, but these predictions have not been confirmed by published functional studies and their clinical significance is uncertain. This variant has not been reported in the literature in individuals with EMC1-related conditions. This variant is not present in population databases (ExAC no frequency). This sequence change replaces methionine with isoleucine at codon 535 of the EMC1 protein (p.Met535Ile). The methionine residue is highly conserved and there is a small physicochemical difference between methionine and isoleucine.

NM_015047.3(EMC1):c.1605G>C (p.Met535Ile)

Genes: EMC1 (ER membrane protein complex subunit 1; minus strand), EMC1-AS1 (EMC1 antisense RNA 1; plus strand). Cytogenetic location: 1p36.13.
Variant type: single nucleotide variant.
Coding change: c.1605G>C on transcript NM_015047.3 (MANE Select); coding-DNA position 1605, G replaced by C.
Protein change: p.Met535Ile; replaces methionine 535 with isoleucine.
Molecular consequence: missense variant.
Genome position (GRCh38, 1-based): chr1:19,232,963, C>G on the plus strand (G>C on the coding strand, the complement: EMC1 is on the minus strand). VCF-style: chr1-19232963-C-G. GRCh37 (hg19) VCF-style: chr1-19559457-C-G.
Other names: c.1602G>C, p.Met534Ile (NM_001271427.2, NM_001271428.2); c.1539G>C, p.Met513Ile (NM_001271429.2); c.1614G>C, p.Met538Ile (NM_001375820.1); c.1611G>C, p.Met537Ile (NM_001375821.1); short protein forms M513I, M534I, M535I, M538I, M537I.
Identifiers: ClinVar variation 1472134 (VCV001472134.8), dbSNP rs753353617, ClinGen allele CA338762256.